The following is an entry in ClinVar:

NM_001098672.2(HEPHL1):c.2607T>C (p.Pro869=)

Gene: HEPHL1 (hephaestin like 1; plus strand). Cytogenetic location: 11q21.
Variant type: single nucleotide variant.
Coding change: c.2607T>C on transcript NM_001098672.2 (MANE Select); coding-DNA position 2607, T replaced by C.
Protein change: p.Pro869=; no amino-acid change (proline 869 retained).
Molecular consequence: synonymous variant.
Genome position (GRCh38, 1-based): chr11:94,102,945, T>C. VCF-style: chr11-94102945-T-C. GRCh37 (hg19) VCF-style: chr11-93836111-T-C.
Other names: c.2607T>C (NM_001098672.1).
Identifiers: ClinVar variation 2642293 (VCV002642293.26), dbSNP rs184702288, ClinGen allele CA6233603.

ClinVar aggregate classification (germline): Likely benign. Review status: criteria provided, multiple submitters, no conflicts (2 of 4 stars). 3 submissions from 3 submitters: Likely benign (2). 1 of the submissions does not count toward it. Last evaluated 2024-11-26.

Conditions:
HEPHL1-related disorder. Also called: HEPHL1-related condition.

Allele frequency attached by ClinVar (database versions not stated): 1000 Genomes Project 30x 0.00031; 1000 Genomes Project 0.00040; gnomAD 0.00181; TOPMed 0.00197; ExAC 0.00214; gnomAD exomes 0.00233; ESP Exome Variant Server 0.00256.
gnomAD v4.1: 3,724 of 1,604,980 alleles (0.23%); highest among the groups gnomAD compares: Middle Eastern, 1.3%; 10 homozygotes.

Submissions (3):

Blueprint Genetics
Classification: Likely benign. Last evaluated: 2024-11-26. Review status: criteria provided, single submitter. Criteria: ACMG Guidelines, 2015. Collection method: clinical testing. Allele origin: germline.

CeGaT Center for Human Genetics Tuebingen
Classification: Likely benign. Last evaluated: 2023-01-01. Review status: criteria provided, single submitter. Criteria: CeGaT Center For Human Genetics Tuebingen Variant Classification Criteria Version 2. Collection method: clinical testing. Allele origin: germline. Affected: yes. Observed: 1 variant allele.
Comment: HEPHL1: BP4, BP7

PreventionGenetics, part of Exact Sciences
Classification: Likely benign for HEPHL1-related condition. Last evaluated: 2019-10-31. Review status: no assertion criteria provided. Collection method: clinical testing. Allele origin: germline. Not counted in ClinVar's aggregate classification.
Comment: This variant is classified as likely benign based on ACMG/AMP sequence variant interpretation guidelines (Richards et al. 2015 PMID: 25741868, with internal and published modifications).